The following is an entry in ClinVar:

NM_000748.3(CHRNB2):c.593C>T (p.Thr198Ile)

Gene: CHRNB2 (cholinergic receptor nicotinic beta 2 subunit; plus strand). Cytogenetic location: 1q21.3.
Variant type: single nucleotide variant.
Coding change: c.593C>T on transcript NM_000748.3 (MANE Select); coding-DNA position 593, C replaced by T.
Protein change: p.Thr198Ile; replaces threonine 198 with isoleucine.
Molecular consequence: missense variant.
Genome position (GRCh38, 1-based): chr1:154,571,416, C>T. VCF-style: chr1-154571416-C-T. GRCh37 (hg19) VCF-style: chr1-154543892-C-T.
Other names: short protein forms T198I.
Identifiers: ClinVar variation 1916221 (VCV001916221.5), dbSNP rs200583300, ClinGen allele CA30834216.

ClinVar aggregate classification (germline): Uncertain significance (1 of 4 stars; one submission).

Conditions:
Familial sleep-related hypermotor epilepsy. Also called: Autosomal Dominant Sleep-Related Hypermotor (Hyperkinetic) Epilepsy. Identifiers: Orphanet 98784, MedGen C3696898, MONDO:0000030.

Allele frequency attached by ClinVar (database versions not stated): gnomAD exomes below 0.00001.
gnomAD v4.1: 1 of 1,614,230 alleles (0.000062%); highest among the groups gnomAD compares: Non-Finnish European, 0.000085%; no homozygotes.

Submission:

Labcorp Genetics (formerly Invitae), Labcorp
Classification: Uncertain significance. Last evaluated: 2023-08-31. Review status: criteria provided, single submitter. Criteria: Invitae Variant Classification Sherloc (09022015). Collection method: clinical testing. Allele origin: germline.
Comment: This sequence change replaces threonine, which is neutral and polar, with isoleucine, which is neutral and non-polar, at codon 198 of the CHRNB2 protein (p.Thr198Ile). This variant is not present in population databases (gnomAD no frequency). This variant has not been reported in the literature in individuals affected with CHRNB2-related conditions. ClinVar contains an entry for this variant (Variation ID: 1916221). Advanced modeling of protein sequence and biophysical properties (such as structural, functional, and spatial information, amino acid conservation, physicochemical variation, residue mobility, and thermodynamic stability) performed at Invitae indicates that this missense variant is not expected to disrupt CHRNB2 protein function. In summary, the available evidence is currently insufficient to determine the role of this variant in disease. Therefore, it has been classified as a Variant of Uncertain Significance.